The following is an entry in ClinVar:

NM_052867.4(NALCN):c.5011C>T (p.Arg1671Cys)

Genes: NALCN (sodium leak channel, non-selective; minus strand), NALCN-AS1 (NALCN antisense RNA 1; plus strand). Cytogenetic location: 13q32.3.
Variant type: single nucleotide variant.
Coding change: c.5011C>T on transcript NM_052867.4 (MANE Select); coding-DNA position 5011, C replaced by T.
Protein change: p.Arg1671Cys; replaces arginine 1671 with cysteine.
Molecular consequence: missense variant. On other transcripts: non-coding transcript variant (1).
Genome position (GRCh38, 1-based): chr13:101,057,951, G>A on the plus strand (C>T on the coding strand, the complement: NALCN is on the minus strand). VCF-style: chr13-101057951-G-A. GRCh37 (hg19) VCF-style: chr13-101710303-G-A.
Other names: c.5098C>T, p.Arg1700Cys (NM_001350748.2); c.5011C>T, p.Arg1671Cys (NM_001350749.2); c.4924C>T, p.Arg1642Cys (NM_001350750.2, NM_001350751.2); short protein forms R1642C, R1671C, R1700C.
Identifiers: ClinVar variation 1204016 (VCV001204016.9), dbSNP rs143587652, ClinGen allele CA7034951.

ClinVar aggregate classification (germline): Uncertain significance. Review status: criteria provided, multiple submitters, no conflicts (2 of 4 stars). 3 submissions from 3 submitters: Uncertain significance (3). Last evaluated 2025-01-28.

Conditions:
Inborn genetic diseases. Identifiers: MedGen C0950123, MeSH D030342.

Allele frequency attached by ClinVar (database versions not stated): gnomAD exomes 0.00001 and 0.00005; gnomAD 0.00002; TOPMed 0.00003; ESP Exome Variant Server 0.00008.
gnomAD v4.1: 77 of 1,613,300 alleles (0.0048%); highest among the groups gnomAD compares: Non-Finnish European, 0.0064%; no homozygotes.

Submissions (3):

Ambry Genetics
Classification: Uncertain significance for Inborn genetic diseases. Last evaluated: 2025-01-28. Review status: criteria provided, single submitter. Criteria: Ambry Variant Classification Scheme 2023. Collection method: clinical testing. Allele origin: germline.

Labcorp Genetics (formerly Invitae), Labcorp
Classification: Uncertain significance. Last evaluated: 2022-09-14. Review status: criteria provided, single submitter. Criteria: Invitae Variant Classification Sherloc (09022015). Collection method: clinical testing. Allele origin: germline.
Comment: Advanced modeling of protein sequence and biophysical properties (such as structural, functional, and spatial information, amino acid conservation, physicochemical variation, residue mobility, and thermodynamic stability) performed at Invitae indicates that this missense variant is not expected to disrupt NALCN protein function. This sequence change replaces arginine, which is basic and polar, with cysteine, which is neutral and slightly polar, at codon 1671 of the NALCN protein (p.Arg1671Cys). This variant is present in population databases (rs143587652, gnomAD 0.003%). This variant has not been reported in the literature in individuals affected with NALCN-related conditions. ClinVar contains an entry for this variant (Variation ID: 1204016). In summary, the available evidence is currently insufficient to determine the role of this variant in disease. Therefore, it has been classified as a Variant of Uncertain Significance.

GeneDx
Classification: Uncertain significance. Last evaluated: 2021-07-08. Review status: criteria provided, single submitter. Criteria: GeneDx Variant Classification Process June 2021. Collection method: clinical testing. Allele origin: germline. Affected: yes.
Comment: In silico analysis, which includes protein predictors and evolutionary conservation, supports that this variant does not alter protein structure/function; Has not been previously published as pathogenic or benign to our knowledge; This variant is associated with the following publications: (PMID: 27535533)